The following is an entry in ClinVar:

ClinVar aggregate classification (germline): Uncertain significance (1 of 4 stars; one submission).

Submission:

CeGaT Center for Human Genetics Tuebingen
Classification: Uncertain significance. Last evaluated: 2023-09-01. Review status: criteria provided, single submitter. Criteria: CeGaT Center For Human Genetics Tuebingen Variant Classification Criteria Version 2. Collection method: clinical testing. Allele origin: germline. Affected: yes. Observed: 1 variant allele.
Comment: ASXL1: PM2, BP4

NM_015338.6(ASXL1):c.3626G>A (p.Ser1209Asn)

Gene: ASXL1 (ASXL transcriptional regulator 1; plus strand). Cytogenetic location: 20q11.21.
Variant type: single nucleotide variant.
Coding change: c.3626G>A on transcript NM_015338.6 (MANE Select); coding-DNA position 3626, G replaced by A.
Protein change: p.Ser1209Asn; replaces serine 1209 with asparagine.
Molecular consequence: missense variant.
Genome position (GRCh38, 1-based): chr20:32,436,338, G>A. VCF-style: chr20-32436338-G-A. GRCh37 (hg19) VCF-style: chr20-31024141-G-A.
Other names: c.3443G>A, p.Ser1148Asn (NM_001363734.1); short protein forms S1148N, S1209N.
Identifiers: ClinVar variation 2652255 (VCV002652255.24), dbSNP rs2515583056, ClinGen allele CA408563453.
Genomic context (GRCh38, chr20:32,436,338, plus strand): 5'-CCAGGATTGAGGCCACCCAGGCTCCTGGAGCACCCCAAAAGAATTGCAAGGCAGTCCCAA[G>A]TTTTGACTCCCTCCATCCAGTGACAAATCCCATTACATCCTCTAGGAAACTGGAAGAAAT-3'
Protein context (NP_056153.2, residues 1199-1219): APQKNCKAVP[Ser1209Asn]FDSLHPVTNP